The following is an entry in ClinVar:

ClinVar aggregate classification (germline): Likely benign. Review status: criteria provided, single submitter (1 of 4 stars). 2 submissions from 2 submitters: Likely benign (1). 1 of the submissions does not count toward it. Last evaluated 2023-01-01.

Conditions:
DNAH2-related disorder. Also called: DNAH2-related condition.

Allele frequency attached by ClinVar (database versions not stated): 1000 Genomes Project 0.00160; ExAC 0.00182; TOPMed 0.00186; gnomAD 0.00188; ESP Exome Variant Server 0.00192; 1000 Genomes Project 30x 0.00203; gnomAD exomes 0.00220.
gnomAD v4.1: 3,490 of 1,613,172 alleles (0.22%); highest among the groups gnomAD compares: Middle Eastern, 0.28%; 12 homozygotes.

Submissions (2):

CeGaT Center for Human Genetics Tuebingen
Classification: Likely benign. Last evaluated: 2023-01-01. Review status: criteria provided, single submitter. Criteria: CeGaT Center For Human Genetics Tuebingen Variant Classification Criteria Version 2. Collection method: clinical testing. Allele origin: germline. Affected: yes. Observed: 1 variant allele.
Comment: DNAH2: BP4, BS2

PreventionGenetics, part of Exact Sciences
Classification: Likely benign for DNAH2-related condition. Last evaluated: 2019-03-11. Review status: no assertion criteria provided. Collection method: clinical testing. Allele origin: germline. Not counted in ClinVar's aggregate classification.
Comment: This variant is classified as likely benign based on ACMG/AMP sequence variant interpretation guidelines (Richards et al. 2015 PMID: 25741868, with internal and published modifications).

NM_020877.5(DNAH2):c.3299C>T (p.Ala1100Val)

Gene: DNAH2 (dynein axonemal heavy chain 2; plus strand). Cytogenetic location: 17p13.1.
Variant type: single nucleotide variant.
Coding change: c.3299C>T on transcript NM_020877.5 (MANE Select); coding-DNA position 3299, C replaced by T.
Protein change: p.Ala1100Val; replaces alanine 1100 with valine.
Molecular consequence: missense variant.
Genome position (GRCh38, 1-based): chr17:7,764,236, C>T. VCF-style: chr17-7764236-C-T. GRCh37 (hg19) VCF-style: chr17-7667554-C-T.
Other names: c.3299C>T (NM_020877.3); short protein forms A1100V.
Identifiers: ClinVar variation 2647374 (VCV002647374.25), dbSNP rs146533727, ClinGen allele CA8356730.